The following is an entry in ClinVar:

ClinVar aggregate classification (germline): Benign/Likely benign. Review status: criteria provided, multiple submitters, no conflicts (2 of 4 stars). 3 submissions from 3 submitters: Benign (1); Likely benign (2). Last evaluated 2026-05-11.

Conditions:
ALPK3-related disorder. Also called: ALPK3-related condition.

Allele frequency attached by ClinVar (database versions not stated): gnomAD 0.00007; TOPMed 0.00015; 1000 Genomes Project 30x 0.00016; 1000 Genomes Project 0.00020; gnomAD exomes 0.00042; ExAC 0.00045.
gnomAD v4.1: 124 of 1,614,084 alleles (0.0077%); highest among the groups gnomAD compares: Admixed American, 0.2%; 2 homozygotes.

Submissions (3):

PreventionGenetics, part of Exact Sciences
Classification: Likely benign for ALPK3-related condition. Last evaluated: 2026-05-11. Review status: criteria provided, single submitter. Criteria: ACMG Guidelines, 2015. Collection method: clinical testing. Allele origin: germline.
Comment: This variant is classified as likely benign based on ACMG/AMP sequence variant interpretation guidelines (Richards et al. 2015 PMID: 25741868, with internal and published modifications).

Labcorp Genetics (formerly Invitae), Labcorp
Classification: Benign. Last evaluated: 2025-11-17. Review status: criteria provided, single submitter. Criteria: Invitae Variant Classification Sherloc (09022015). Collection method: clinical testing. Allele origin: germline.

Women's Health and Genetics/Laboratory Corporation of America, LabCorp
Classification: Likely benign. Last evaluated: 2023-12-10. Review status: criteria provided, single submitter. Criteria: LabCorp Variant Classification Summary - May 2015. Collection method: clinical testing. Allele origin: germline.

NM_020778.5(ALPK3):c.182+9A>G

Gene: ALPK3 (alpha kinase 3; plus strand). Cytogenetic location: 15q25.3.
Variant type: single nucleotide variant.
Coding change: c.182+9A>G on transcript NM_020778.5 (MANE Select); 9 bases into the intron after coding-DNA position 182, A replaced by G.
Molecular consequence: intron variant.
Genome position (GRCh38, 1-based): chr15:84,823,377, A>G. VCF-style: chr15-84823377-A-G. GRCh37 (hg19) VCF-style: chr15-85366608-A-G.
Other names: c.788+9A>G (NM_020778.4).
Identifiers: ClinVar variation 1588423 (VCV001588423.10), dbSNP rs200942386, ClinGen allele CA7708864.